The following is an entry in ClinVar:

NM_018975.4(TERF2IP):c.726A>C (p.Glu242Asp)

Gene: TERF2IP (TERF2 interacting protein; plus strand). Cytogenetic location: 16q23.1.
Variant type: single nucleotide variant.
Coding change: c.726A>C on transcript NM_018975.4 (MANE Select); coding-DNA position 726, A replaced by C.
Protein change: p.Glu242Asp; replaces glutamic acid 242 with aspartic acid.
Molecular consequence: missense variant. On other transcripts: non-coding transcript variant (1).
Genome position (GRCh38, 1-based): chr16:75,654,328, A>C. VCF-style: chr16-75654328-A-C. GRCh37 (hg19) VCF-style: chr16-75688226-A-C.
Other names: short protein forms E242D.
Identifiers: ClinVar variation 1757987 (VCV001757987.3), dbSNP rs751694298, ClinGen allele CA8178067.

ClinVar aggregate classification (germline): Uncertain significance (1 of 4 stars; one submission).

Allele frequency attached by ClinVar (database versions not stated): ExAC 0.00001; gnomAD 0.00001; TOPMed 0.00002.

Submission:

Ambry Genetics
Classification: Uncertain significance. Last evaluated: 2024-05-25. Review status: criteria provided, single submitter. Criteria: Ambry Variant Classification Scheme 2023. Collection method: clinical testing. Allele origin: germline.
Comment: The p.E242D variant (also known as c.726A>C), located in coding exon 2 of the TERF2IP gene, results from an A to C substitution at nucleotide position 726. The glutamic acid at codon 242 is replaced by aspartic acid, an amino acid with highly similar properties. This amino acid position is conserved. In addition, this alteration is predicted to be tolerated by in silico analysis. Since supporting evidence is limited at this time, the clinical significance of this alteration remains unclear.